The following is an entry in ClinVar:

NM_005529.7(HSPG2):c.5848G>A (p.Val1950Met)

Gene: HSPG2 (heparan sulfate proteoglycan 2; minus strand). Cytogenetic location: 1p36.12.
Variant type: single nucleotide variant.
Coding change: c.5848G>A on transcript NM_005529.7 (MANE Select); coding-DNA position 5848, G replaced by A.
Protein change: p.Val1950Met; replaces valine 1950 with methionine.
Molecular consequence: missense variant.
Genome position (GRCh38, 1-based): chr1:21,855,529, C>T on the plus strand (G>A on the coding strand, the complement: HSPG2 is on the minus strand). VCF-style: chr1-21855529-C-T. GRCh37 (hg19) VCF-style: chr1-22182022-C-T.
Other names: c.5851G>A, p.Val1951Met (NM_001291860.2); short protein forms V1950M, V1951M.
Identifiers: ClinVar variation 295824 (VCV000295824.11), dbSNP rs761763385, ClinGen allele CA671776.

ClinVar aggregate classification (germline): Uncertain significance. Review status: criteria provided, multiple submitters, no conflicts (2 of 4 stars). 3 submissions from 2 submitters: Uncertain significance (3). Last evaluated 2021-01-07.

Conditions:
Lethal Kniest-like syndrome (DDSH). Also called: Dyssegmental Dysplasia. Identifiers: Orphanet 1865, MedGen C1857100, MONDO:0009140, OMIM 224410.
Schwartz-Jampel syndrome. Also called: Myotonic myopathy dwarfism chondrodystrophy and ocular and facial abnormalities. Identifiers: Orphanet 800, MedGen C0036391, MONDO:0009717.

Allele frequency attached by ClinVar (database versions not stated): gnomAD exomes 0.00001 and 0.00002; ExAC 0.00002; gnomAD 0.00002; TOPMed 0.00004.
gnomAD v4.1: 32 of 1,608,846 alleles (0.002%); highest among the groups gnomAD compares: Middle Eastern, 0.016%; no homozygotes.

Submissions (3):

Labcorp Genetics (formerly Invitae), Labcorp
Classification: Uncertain significance. Last evaluated: 2021-01-07. Review status: criteria provided, single submitter. Criteria: Invitae Variant Classification Sherloc (09022015). Collection method: clinical testing. Allele origin: germline.
Comment: In summary, the available evidence is currently insufficient to determine the role of this variant in disease. Therefore, it has been classified as a Variant of Uncertain Significance. This sequence change replaces valine with methionine at codon 1950 of the HSPG2 protein (p.Val1950Met). The valine residue is moderately conserved and there is a small physicochemical difference between valine and methionine. This variant is present in population databases (rs761763385, ExAC 0.03%). This variant has not been reported in the literature in individuals with HSPG2-related conditions. ClinVar contains an entry for this variant (Variation ID: 295824). Algorithms developed to predict the effect of missense changes on protein structure and function are either unavailable or do not agree on the potential impact of this missense change (SIFT: "Deleterious"; PolyPhen-2: "Probably Damaging"; Align-GVGD: "Class C0").

Illumina Laboratory Services, Illumina
Classification: Uncertain significance for Schwartz-Jampel syndrome type 1. Last evaluated: 2018-01-12. Review status: criteria provided, single submitter. Criteria: ICSL Variant Classification Criteria 13 December 2019. Collection method: clinical testing. Allele origin: germline.

Illumina Laboratory Services, Illumina
Classification: Uncertain significance for Lethal Kniest-like syndrome. Last evaluated: 2018-01-12. Review status: criteria provided, single submitter. Criteria: ICSL Variant Classification Criteria 13 December 2019. Collection method: clinical testing. Allele origin: germline.